The following is an entry in ClinVar:

ClinVar aggregate classification (germline): Conflicting classifications of pathogenicity. Review status: criteria provided, conflicting classifications (1 of 4 stars). 8 submissions from 8 submitters: Uncertain significance (3); Likely benign (5). Last evaluated 2025-12-16.

Conditions:
TSC2-related disorder. Also called: TSC2-Related Disorders; TSC2-related condition.
Hereditary cancer-predisposing syndrome. Also called: Hereditary neoplastic syndrome; Tumor predisposition; Neoplastic Syndromes, Hereditary; Hereditary Cancer Syndrome. Identifiers: Orphanet 140162, MedGen C0027672, MeSH D009386, MONDO:0015356.
Tuberous sclerosis syndrome (TSC). Also called: Tuberous sclerosis; Tuberous Sclerosis Complex. Identifiers: Orphanet 805, MedGen C0041341, MONDO:0001734.
Tuberous sclerosis 2 (TSC2). Identifiers: Orphanet 805, MedGen C1860707, MONDO:0013199, OMIM 613254.

Allele frequency attached by ClinVar (database versions not stated): ExAC 0.00001; gnomAD exomes 0.00001 and 0.00003; gnomAD 0.00003 and 0.00004; TOPMed 0.00003.

Submissions (9):

Labcorp Genetics (formerly Invitae), Labcorp
Classification: Likely benign for Tuberous sclerosis 2. Last evaluated: 2025-12-16. Review status: criteria provided, single submitter. Criteria: Invitae Variant Classification Sherloc (09022015). Collection method: clinical testing. Allele origin: germline.

Ambry Genetics
Classification: Likely benign for Hereditary cancer-predisposing syndrome. Last evaluated: 2025-12-11. Review status: criteria provided, single submitter. Criteria: Ambry Variant Classification Scheme 2023. Collection method: clinical testing. Allele origin: germline.

Myriad Genetics, Inc.
Classification: Likely benign for Tuberous sclerosis 2. Last evaluated: 2024-08-16. Review status: criteria provided, single submitter. Criteria: Myriad Autosomal Dominant, Autosomal Recessive and X-Linked Classification Criteria (2023). Collection method: clinical testing. Allele origin: unknown.
Comment: This variant is considered likely benign. This variant has been observed at a population frequency that is significantly greater than expected given the associated disease prevalence and penetrance.

Color Diagnostics, LLC DBA Color Health
Classification: Uncertain significance for Tuberous sclerosis syndrome. Last evaluated: 2023-11-08. Review status: criteria provided, single submitter. Criteria: ACMG Guidelines, 2015. Collection method: clinical testing. Allele origin: germline.
Comment: This missense variant replaces alanine with valine at codon 1237 of the TSC2 protein. Computational prediction is inconclusive regarding the impact of this variant on protein structure and function. To our knowledge, functional studies have not been reported for this variant. This variant has not been reported in individuals affected with tuberous sclerosis complex in the literature. This variant has been identified in 7/249992 chromosomes in the general population by the Genome Aggregation Database (gnomAD). The available evidence is insufficient to determine the role of this variant in disease conclusively. Therefore, this variant is classified as a Variant of Uncertain Significance.

PreventionGenetics, part of Exact Sciences
Classification: Uncertain significance for TSC2-related condition. Last evaluated: 2023-06-01. Review status: criteria provided, single submitter. Criteria: ACMG Guidelines, 2015. Collection method: clinical testing. Allele origin: germline.
Comment: The TSC2 c.3710C>T variant is predicted to result in the amino acid substitution p.Ala1237Val. This variant has been reported de novo in an individual with autism spectrum disorder (Table S6, Wang et al. 2016. PubMed ID: 27824329; Table S6, Satterstrom et al. 2020. PubMed ID: 31981491). This variant is reported in 7 of 250,000 alleles in gnomAD. It has conflicting interpretations of likely benign and uncertain significance. Although we suspect that this variant may be benign, at this time, the clinical significance of this variant is uncertain due to the absence of conclusive functional and genetic evidence.

Women's Health and Genetics/Laboratory Corporation of America, LabCorp
Classification: Uncertain significance. Last evaluated: 2023-05-10. Review status: criteria provided, single submitter. Criteria: LabCorp Variant Classification Summary - May 2015. Collection method: clinical testing. Allele origin: germline.
Comment: Variant summary: TSC2 c.3710C>T (p.Ala1237Val) results in a non-conservative amino acid change in the encoded protein sequence. Five of five in-silico tools predict a damaging effect of the variant on protein function. The variant allele was found at a frequency of 2.8e-05 in 249992 control chromosomes (gnomAD). The available data on variant occurrences in the general population are insufficient to allow any conclusion about variant significance. c.3710C>T has been reported in the literature in individuals affected with autism spectrum disorder (de novo occurrence) and neural tube defect (examples: Wang_2016 and Lemay_2018). These report(s) do not provide unequivocal conclusions about association of the variant with Tuberous Sclerosis Complex. To our knowledge, no experimental evidence demonstrating an impact on protein function has been reported. The following publications have been ascertained in the context of this evaluation (PMID: 30415495, 31981491, 27824329). Four clinical diagnostic laboratories have submitted clinical-significance assessments for this variant to ClinVar after 2014 and classified the variant as likely benign (n=3) and VUS (n=1). Based on the evidence outlined above, the variant was classified as uncertain significance.

Genome-Nilou Lab
Classification: Likely benign for Tuberous sclerosis 2. Last evaluated: 2021-11-07. Review status: criteria provided, single submitter. Criteria: ACMG Guidelines, 2015. Collection method: clinical testing. Allele origin: germline. Affected: no.

GeneDx
Classification: Likely benign. Last evaluated: 2021-05-10. Review status: criteria provided, single submitter. Criteria: GeneDx Variant Classification Process June 2021. Collection method: clinical testing. Allele origin: germline. Affected: yes.
Comment: This variant is associated with the following publications: (PMID: 27824329, 31981491)

Dr. Peter K. Rogan Lab, Western University
No classification provided (evidence only). Condition: Ovarian serous cystadenocarcinoma. Review status: no classification provided. Collection method: in vitro. Allele origin: not applicable. Functional consequence: retained intron. Not counted in ClinVar's aggregate classification.

Literature cited by the submitters: PubMed 25363768 (cited by Ambry Genetics); PubMed 27824329 (cited by Ambry Genetics and Women's Health and Genetics/Laboratory Corporation of America, LabCorp); PubMed 29892012 (cited by Ambry Genetics); PubMed 31981491 (cited by Ambry Genetics and Women's Health and Genetics/Laboratory Corporation of America, LabCorp); PubMed 30415495 (cited by Women's Health and Genetics/Laboratory Corporation of America, LabCorp).

NM_000548.5(TSC2):c.3710C>T (p.Ala1237Val)

Gene: TSC2 (TSC complex subunit 2; plus strand). Cytogenetic location: 16p13.3.
Variant type: single nucleotide variant.
Coding change: c.3710C>T on transcript NM_000548.5 (MANE Select); coding-DNA position 3710, C replaced by T.
Protein change: p.Ala1237Val; replaces alanine 1237 with valine.
Molecular consequence: missense variant.
Genome position (GRCh38, 1-based): chr16:2,081,694, C>T. VCF-style: chr16-2081694-C-T. GRCh37 (hg19) VCF-style: chr16-2131695-C-T.
Other names: c.3710C>T (NM_000548.4); c.3578C>T, p.Ala1193Val (NM_001077183.3, NM_001370404.1); c.3710C>T, p.Ala1237Val (NM_001114382.3); c.3470C>T, p.Ala1157Val (NM_001318827.2); c.3434C>T, p.Ala1145Val (NM_001318829.2); c.2978C>T, p.Ala993Val (NM_001318831.2); c.3611C>T, p.Ala1204Val (NM_001318832.2); c.3581C>T, p.Ala1194Val (NM_001363528.2, NM_001370405.1, NM_021055.3); short protein forms A1237V, A1204V, A1193V, A1194V, A1145V, A1157V, A993V.
Identifiers: ClinVar variation 383442 (VCV000383442.27), dbSNP rs753907159, ClinGen allele CA048133.